The following is an entry in ClinVar:

ClinVar aggregate classification (germline): Conflicting classifications of pathogenicity. Review status: criteria provided, conflicting classifications (1 of 4 stars). 3 submissions from 3 submitters: Uncertain significance (2); Likely benign (1). Last evaluated 2026-07-31.

Conditions:
CDHR1-related disorder. Also called: CDHR1-related condition.

Allele frequency attached by ClinVar (database versions not stated): ESP Exome Variant Server 0.00008; gnomAD exomes 0.00012; ExAC 0.00014; TOPMed 0.00018.

Submissions (3):

PreventionGenetics, part of Exact Sciences
Classification: Uncertain significance for CDHR1-related condition. Last evaluated: 2026-07-31. Review status: criteria provided, single submitter. Criteria: ACMG Guidelines, 2015. Collection method: clinical testing. Allele origin: germline.
Comment: The CDHR1 c.634G>A variant is predicted to result in the amino acid substitution p.Ala212Thr. This variant has been reported in individuals with retinal dystrophy, retinitis pigmentosa, or con-rod dystrophy (heterozygous in Bolz et al. 2005. PubMed ID: 16288196; second CDHR1 variant also present in Weisschuh et al. 2018. PubMed ID: 30576320; zygosity unknown in Table S3, Gao et al. 2019. PubMed ID: 31054281). This variant is reported in 0.066% of alleles in individuals of East Asian descent in gnomAD. At this time, the clinical significance of this variant is uncertain due to the absence of conclusive functional and genetic evidence.

Labcorp Genetics (formerly Invitae), Labcorp
Classification: Likely benign. Last evaluated: 2026-01-18. Review status: criteria provided, single submitter. Criteria: Invitae Variant Classification Sherloc (09022015). Collection method: clinical testing. Allele origin: germline.

Blueprint Genetics
Classification: Uncertain significance. Last evaluated: 2024-10-09. Review status: criteria provided, single submitter. Criteria: ACMG Guidelines, 2015. Collection method: clinical testing. Allele origin: germline.

NM_033100.4(CDHR1):c.634G>A (p.Ala212Thr)

Gene: CDHR1 (cadherin related family member 1; plus strand). Cytogenetic location: 10q23.1.
Variant type: single nucleotide variant.
Coding change: c.634G>A on transcript NM_033100.4 (MANE Select); coding-DNA position 634, G replaced by A.
Protein change: p.Ala212Thr; replaces alanine 212 with threonine.
Molecular consequence: missense variant.
Genome position (GRCh38, 1-based): chr10:84,201,915, G>A. VCF-style: chr10-84201915-G-A. GRCh37 (hg19) VCF-style: chr10-85961671-G-A.
Other names: c.634G>A, p.Ala212Thr (NM_001171971.3); short protein forms A212T.
Identifiers: ClinVar variation 960256 (VCV000960256.10), dbSNP rs200880106, ClinGen allele CA5579611.
Genomic context (GRCh38, chr10:84,201,915, plus strand): 5'-CTCCAGGCTGGGGCCACTCTGGACTACGAGAGGTCCCGGACCCACTACATCACCGTGGTC[G>A]CCAAGGTAACACAGCAGGACAGGGGAGCATCCAGTGTCTCCTCAGCCCTTGGGTTGGAAC-3'
Protein context (NP_149091.1, residues 202-222): RSRTHYITVV[Ala212Thr]KDGGGRLHGA